The following is an entry in ClinVar:

NM_000126.4(ETFA):c.193C>T (p.Gln65Ter)

Gene: ETFA (electron transfer flavoprotein subunit alpha; minus strand). Cytogenetic location: 15q24.2.
Variant type: single nucleotide variant.
Coding change: c.193C>T on transcript NM_000126.4 (MANE Select); coding-DNA position 193, C replaced by T.
Protein change: p.Gln65Ter; replaces glutamine 65 with a stop codon.
Molecular consequence: nonsense.
Genome position (GRCh38, 1-based): chr15:76,292,694, G>A on the plus strand (C>T on the coding strand, the complement: ETFA is on the minus strand). VCF-style: chr15-76292694-G-A. GRCh37 (hg19) VCF-style: chr15-76585035-G-A.
Other names: c.46C>T, p.Gln16Ter (NM_001127716.2); c.193C>T (NM_000126.3); short protein forms Q16*, Q65*.
Identifiers: ClinVar variation 2675075 (VCV002675075.3), dbSNP rs1297718024, ClinGen allele CA393517447.

ClinVar aggregate classification (germline): Likely pathogenic. Review status: criteria provided, multiple submitters, no conflicts (2 of 4 stars). 2 submissions from 2 submitters: Likely pathogenic (2). Last evaluated 2025-06-19.

Conditions:
Glutaric acidemia type 2A.
Multiple acyl-CoA dehydrogenase deficiency (MADD). Also called: ETHYLMALONIC-ADIPICACIDURIA; GA II; Glutaric Acidemia type 2; Glutaric aciduria, type 2; Glutaric acidemia type II; GA 2. Identifiers: Orphanet 26791, MedGen C0268596, MONDO:0009282, OMIM 231680.

Allele frequency attached by ClinVar (database versions not stated): gnomAD exomes below 0.00001; gnomAD 0.00001; TOPMed 0.00001.
gnomAD v4.1: 2 of 1,608,738 alleles (0.00012%); highest among the groups gnomAD compares: African/African-American, 0.0013%; no homozygotes.

Submissions (2):

Natera, Inc.
Classification: Likely pathogenic for Glutaric acidemia type 2A. Last evaluated: 2025-06-19. Review status: criteria provided, single submitter. Criteria: Natera Variant Classification Schema (03/2026). Collection method: clinical testing. Allele origin: germline.
Comment: The c.193C>T variant in ETFA is a nonsense variant predicted to introduce a stop codon at amino acid 65. This variant is expected to result in nonsense mediated decay, truncation, or a dysfunctional protein product. This variant is rare in the general population with a frequency below the threshold expected for the associated phenotype(s). Given the available evidence, this variant is classified as Likely Pathogenic.

Baylor Genetics
Classification: Likely pathogenic for Multiple acyl-CoA dehydrogenase deficiency. Last evaluated: 2024-03-07. Review status: criteria provided, single submitter. Criteria: ACMG Guidelines, 2015. Collection method: clinical testing. Allele origin: unknown.